The following is an entry in ClinVar:

NM_003482.4(KMT2D):c.6058C>T (p.Pro2020Ser)

Gene: KMT2D (lysine methyltransferase 2D; minus strand). Cytogenetic location: 12q13.12.
Variant type: single nucleotide variant.
Coding change: c.6058C>T on transcript NM_003482.4 (MANE Select); coding-DNA position 6058, C replaced by T.
Protein change: p.Pro2020Ser; replaces proline 2020 with serine.
Molecular consequence: missense variant.
Genome position (GRCh38, 1-based): chr12:49,042,140, G>A on the plus strand (C>T on the coding strand, the complement: KMT2D is on the minus strand). VCF-style: chr12-49042140-G-A. GRCh37 (hg19) VCF-style: chr12-49435923-G-A.
Other names: short protein forms P2020S.
Identifiers: ClinVar variation 1685551 (VCV001685551.3), dbSNP rs939099741, ClinGen allele CA236612494.

ClinVar aggregate classification (germline): Conflicting classifications of pathogenicity. Review status: criteria provided, conflicting classifications (1 of 4 stars). 2 submissions from 2 submitters: Uncertain significance (1); Benign (1). Last evaluated 2025-06-12.

Conditions:
Kabuki syndrome. Also called: NIIKAWA-KUROKI SYNDROME; Kabuki make-up syndrome. Identifiers: Orphanet 2322, MedGen C0796004, MONDO:0016512.

Submissions (2):

Labcorp Genetics (formerly Invitae), Labcorp
Classification: Uncertain significance for Kabuki syndrome. Last evaluated: 2025-06-12. Review status: criteria provided, single submitter. Criteria: Invitae Variant Classification Sherloc (09022015). Collection method: clinical testing. Allele origin: germline.
Comment: This sequence change replaces proline, which is neutral and non-polar, with serine, which is neutral and polar, at codon 2020 of the KMT2D protein (p.Pro2020Ser). This variant is not present in population databases (gnomAD no frequency). This variant has not been reported in the literature in individuals affected with KMT2D-related conditions. ClinVar contains an entry for this variant (Variation ID: 1685551). Invitae Evidence Modeling of protein sequence and biophysical properties (such as structural, functional, and spatial information, amino acid conservation, physicochemical variation, residue mobility, and thermodynamic stability) has been performed for this missense variant. However, the output from this modeling did not meet the statistical confidence thresholds required to predict the impact of this variant on KMT2D protein function. In summary, the available evidence is currently insufficient to determine the role of this variant in disease. Therefore, it has been classified as a Variant of Uncertain Significance.

Mendelics
Classification: Benign. Last evaluated: 2022-05-04. Review status: criteria provided, single submitter. Criteria: Mendelics Assertion Criteria 2019. Collection method: clinical testing. Allele origin: germline.